The following is an entry in ClinVar:

ClinVar aggregate classification (germline): Pathogenic/Likely pathogenic. Review status: criteria provided, multiple submitters, no conflicts (2 of 4 stars). 2 submissions from 2 submitters: Pathogenic (1); Likely pathogenic (1). Last evaluated 2024-04-25.

Conditions:
Werner syndrome (WRN). Identifiers: Orphanet 902, MedGen C0043119, MONDO:0010196, OMIM 277700.

Submissions (2):

Labcorp Genetics (formerly Invitae), Labcorp
Classification: Pathogenic for Werner syndrome. Last evaluated: 2024-04-25. Review status: criteria provided, single submitter. Criteria: Invitae Variant Classification Sherloc (09022015). Collection method: clinical testing. Allele origin: germline.
Comment: This sequence change creates a premature translational stop signal (p.Asp287Ilefs*9) in the WRN gene. It is expected to result in an absent or disrupted protein product. Loss-of-function variants in WRN are known to be pathogenic (PMID: 16673358). This variant is not present in population databases (gnomAD no frequency). This variant has not been reported in the literature in individuals affected with WRN-related conditions. ClinVar contains an entry for this variant (Variation ID: 641348). For these reasons, this variant has been classified as Pathogenic.

Baylor Genetics
Classification: Likely pathogenic for Werner syndrome. Last evaluated: 2024-03-20. Review status: criteria provided, single submitter. Criteria: ACMG Guidelines, 2015. Collection method: clinical testing. Allele origin: unknown.

Literature cited by the submitters: PubMed 16673358 (cited by Labcorp Genetics (formerly Invitae), Labcorp).

NM_000553.6(WRN):c.859del (p.Asp287fs)

Gene: WRN (WRN RecQ like helicase; plus strand). Cytogenetic location: 8p12.
Variant type: Deletion.
Coding change: c.859del on transcript NM_000553.6 (MANE Select); coding-DNA position 859, one base deleted (G; older notation c.859delG).
Protein change: p.Asp287fs; shifts the reading frame from aspartic acid 287.
Molecular consequence: frameshift variant.
Genome position (GRCh38, 1-based): chr8:31,080,886, G deleted; the last of 2 consecutive G bases (chr8:31,080,885-31,080,886); deleting either gives the same sequence. VCF-style (leftmost placement, unchanged base first): chr8-31080884-AG-A. GRCh37 (hg19) VCF-style: chr8-30938400-AG-A.
Other names: c.859del (NM_000553.4); short protein forms D287fs.
Identifiers: ClinVar variation 641348 (VCV000641348.8), dbSNP rs1585427471, ClinGen allele CA915945635.